The following is an entry in ClinVar:

NM_001375524.1(TRRAP):c.11283G>A (p.Pro3761=)

Gene: TRRAP (transformation/transcription domain associated protein; plus strand). Cytogenetic location: 7q22.1.
Variant type: single nucleotide variant.
Coding change: c.11283G>A on transcript NM_001375524.1 (MANE Select); coding-DNA position 11283, G replaced by A.
Protein change: p.Pro3761=; no amino-acid change (proline 3761 retained).
Molecular consequence: synonymous variant.
Genome position (GRCh38, 1-based): chr7:99,011,481, G>A. VCF-style: chr7-99011481-G-A. GRCh37 (hg19) VCF-style: chr7-98609104-G-A.
Other names: c.11241G>A, p.Pro3747= (NM_001244580.2); c.11154G>A, p.Pro3718= (NM_003496.4); c.11154G>A (NM_003496.3).
Identifiers: ClinVar variation 2728212 (VCV002728212.5), dbSNP rs140449855, ClinGen allele CA4362120.

ClinVar aggregate classification (germline): Likely benign. Review status: criteria provided, single submitter (1 of 4 stars). 2 submissions from 2 submitters: Likely benign (1). 1 of the submissions does not count toward it. Last evaluated 2024-01-23.

Conditions:
TRRAP-related disorder. Also called: TRRAP-related condition.

Allele frequency attached by ClinVar (database versions not stated): ExAC 0.00004; gnomAD 0.00007; TOPMed 0.00007; ESP Exome Variant Server 0.00031.
gnomAD v4.1: 130 of 1,614,130 alleles (0.0081%); highest among the groups gnomAD compares: Non-Finnish European, 0.0097%; no homozygotes.

Submissions (2):

Labcorp Genetics (formerly Invitae), Labcorp
Classification: Likely benign. Last evaluated: 2024-01-23. Review status: criteria provided, single submitter. Criteria: Invitae Variant Classification Sherloc (09022015). Collection method: clinical testing. Allele origin: germline.

PreventionGenetics, part of Exact Sciences
Classification: Likely benign for TRRAP-related condition. Last evaluated: 2020-05-22. Review status: no assertion criteria provided. Collection method: clinical testing. Allele origin: germline. Not counted in ClinVar's aggregate classification.
Comment: This variant is classified as likely benign based on ACMG/AMP sequence variant interpretation guidelines (Richards et al. 2015 PMID: 25741868, with internal and published modifications).